The following is an entry in ClinVar:

NM_003380.5(VIM):c.1057G>A (p.Val353Ile)

Gene: VIM (vimentin; plus strand). Cytogenetic location: 10p13.
Variant type: single nucleotide variant.
Coding change: c.1057G>A on transcript NM_003380.5 (MANE Select); coding-DNA position 1057, G replaced by A.
Protein change: p.Val353Ile; replaces valine 353 with isoleucine.
Molecular consequence: missense variant.
Genome position (GRCh38, 1-based): chr10:17,235,217, G>A. VCF-style: chr10-17235217-G-A. GRCh37 (hg19) VCF-style: chr10-17277216-G-A.
Other names: short protein forms V353I.
Identifiers: ClinVar variation 2306133 (VCV002306133.4), dbSNP rs767278443, ClinGen allele CA5426667.
Genomic context (GRCh38, chr10:17,235,217, plus strand): 5'-CACCCCCTGCAGAATGAGTCCCTGGAACGCCAGATGCGTGAAATGGAAGAGAACTTTGCC[G>A]TTGAAGCTGCTAACTACCAAGACACTATTGGCCGCCTGCAGGATGAGATTCAGAATATGA-3'
Protein context (NP_003371.2, residues 343-363): QMREMEENFA[Val353Ile]EAANYQDTIG

ClinVar aggregate classification (germline): Uncertain significance. Review status: criteria provided, multiple submitters, no conflicts (2 of 4 stars). 2 submissions from 2 submitters: Uncertain significance (2). Last evaluated 2025-05-16.

Conditions:
VIM-related disorder. Also called: VIM-related condition.

Allele frequency attached by ClinVar (database versions not stated): ExAC 0.00001; gnomAD 0.00001; TOPMed 0.00001.

Submissions (2):

PreventionGenetics, part of Exact Sciences
Classification: Uncertain significance for VIM-related condition. Last evaluated: 2025-05-16. Review status: criteria provided, single submitter. Criteria: ACMG Guidelines, 2015. Collection method: clinical testing. Allele origin: germline.
Comment: The VIM c.1057G>A variant is predicted to result in the amino acid substitution p.Val353Ile. To our knowledge, this variant has not been reported in the literature. This variant is reported in 0.0018% of alleles in individuals of European (Non-Finnish) descent in gnomAD. At this time, the clinical significance of this variant is uncertain due to the absence of conclusive functional and genetic evidence.

Ambry Genetics
Classification: Uncertain significance. Last evaluated: 2024-11-20. Review status: criteria provided, single submitter. Criteria: Ambry Variant Classification Scheme 2023. Collection method: clinical testing. Allele origin: germline.